The following is an entry in ClinVar:

NM_001159699.2(FHL1):c.518del (p.Lys173fs)

Gene: FHL1 (four and a half LIM domains 1; plus strand). Cytogenetic location: Xq26.3.
Variant type: Deletion.
Coding change: c.518del on transcript NM_001159699.2 (MANE Select); coding-DNA position 518, one base deleted (A; older notation c.518delA).
Protein change: p.Lys173fs; shifts the reading frame from lysine 173.
Molecular consequence: frameshift variant. On other transcripts: non-coding transcript variant (1).
Genome position (GRCh38, 1-based): chrX:136,207,930, A deleted; the last of 2 consecutive A bases (chrX:136,207,929-136,207,930); deleting either gives the same sequence. VCF-style (leftmost placement, unchanged base first): chrX-136207928-CA-C. GRCh37 (hg19) VCF-style: chrX-135290087-CA-C.
Other names: c.470del, p.Lys157fs (NM_001159700.2, NM_001159702.3, NM_001159703.2 and 9 more transcripts); c.557del, p.Lys186fs (NM_001159701.2); c.518del, p.Lys173fs (NM_001330659.2); short protein forms K173fs, K157fs, K186fs.
Identifiers: ClinVar variation 2118351 (VCV002118351.4), dbSNP rs2521287431, ClinGen allele CA2580101573.

ClinVar aggregate classification (germline): Pathogenic (1 of 4 stars; one submission).

Conditions:
X-linked myopathy with postural muscle atrophy. Also called: FHL1-Related Emery-Dreifuss Muscular Dystrophy, X-Linked. Identifiers: Orphanet 178461, MedGen C2678055, MONDO:0010401, OMIM 300696.

Submission:

Labcorp Genetics (formerly Invitae), Labcorp
Classification: Pathogenic for X-linked myopathy with postural muscle atrophy. Last evaluated: 2022-08-30. Review status: criteria provided, single submitter. Criteria: Invitae Variant Classification Sherloc (09022015). Collection method: clinical testing. Allele origin: germline.
Comment: For these reasons, this variant has been classified as Pathogenic. This variant has not been reported in the literature in individuals affected with FHL1-related conditions. This sequence change creates a premature translational stop signal (p.Lys157Serfs*7) in the FHL1 gene. It is expected to result in an absent or disrupted protein product. Loss-of-function variants in FHL1 are known to be pathogenic (PMID: 18179888, 19687455, 19716112, 22523091, 24114807). This variant is not present in population databases (gnomAD no frequency).

Literature cited by the submitters: PubMed 18179888; PubMed 19687455; PubMed 19716112; PubMed 22523091; PubMed 24114807.